The following is an entry in ClinVar:

ClinVar aggregate classification (germline): Uncertain significance (1 of 4 stars; one submission).

Submission:

Labcorp Genetics (formerly Invitae), Labcorp
Classification: Uncertain significance. Last evaluated: 2024-05-02. Review status: criteria provided, single submitter. Criteria: Invitae Variant Classification Sherloc (09022015). Collection method: clinical testing. Allele origin: germline.
Comment: This sequence change replaces serine, which is neutral and polar, with isoleucine, which is neutral and non-polar, at codon 3566 of the KMT2A protein (p.Ser3566Ile). This variant is not present in population databases (gnomAD no frequency). This variant has not been reported in the literature in individuals affected with KMT2A-related conditions. ClinVar contains an entry for this variant (Variation ID: 1489624). Advanced modeling of protein sequence and biophysical properties (such as structural, functional, and spatial information, amino acid conservation, physicochemical variation, residue mobility, and thermodynamic stability) performed at Invitae indicates that this missense variant is not expected to disrupt KMT2A protein function with a negative predictive value of 95%. In summary, the available evidence is currently insufficient to determine the role of this variant in disease. Therefore, it has been classified as a Variant of Uncertain Significance.

NM_001197104.2(KMT2A):c.10697G>T (p.Ser3566Ile)

Gene: KMT2A (lysine methyltransferase 2A; plus strand). Cytogenetic location: 11q23.3.
Variant type: single nucleotide variant.
Coding change: c.10697G>T on transcript NM_001197104.2 (MANE Select); coding-DNA position 10697, G replaced by T.
Protein change: p.Ser3566Ile; replaces serine 3566 with isoleucine.
Molecular consequence: missense variant.
Genome position (GRCh38, 1-based): chr11:118,506,589, G>T. VCF-style: chr11-118506589-G-T. GRCh37 (hg19) VCF-style: chr11-118377304-G-T.
Other names: c.10688G>T, p.Ser3563Ile (NM_005933.4); short protein forms S3566I, S3563I.
Identifiers: ClinVar variation 1489624 (VCV001489624.6), dbSNP rs2134414922, ClinGen allele CA382826838.